The following is an entry in ClinVar:

NM_032776.3(JMJD1C):c.3671A>G (p.Tyr1224Cys)

Gene: JMJD1C (jumonji domain containing 1C; minus strand). Cytogenetic location: 10q21.3.
Variant type: single nucleotide variant.
Coding change: c.3671A>G on transcript NM_032776.3 (MANE Select); coding-DNA position 3671, A replaced by G.
Protein change: p.Tyr1224Cys; replaces tyrosine 1224 with cysteine.
Molecular consequence: missense variant. On other transcripts: non-coding transcript variant (1).
Genome position (GRCh38, 1-based): chr10:63,207,998, T>C on the plus strand (A>G on the coding strand, the complement: JMJD1C is on the minus strand). VCF-style: chr10-63207998-T-C. GRCh37 (hg19) VCF-style: chr10-64967758-T-C.
Other names: c.3125A>G, p.Tyr1042Cys (NM_001282948.2, NM_001318154.2); c.2807A>G, p.Tyr936Cys (NM_001318153.2); c.3557A>G, p.Tyr1186Cys (NM_001322252.2); c.3014A>G, p.Tyr1005Cys (NM_001322254.2, NM_001322258.2); short protein forms Y1224C, Y1042C, Y1186C, Y1005C, Y936C.
Identifiers: ClinVar variation 573234 (VCV000573234.8), dbSNP rs1419282048, ClinGen allele CA377040661.

ClinVar aggregate classification (germline): Uncertain significance (1 of 4 stars; one submission).

Conditions:
Early Myoclonic Encephalopathy. Identifiers: MedGen C0270855.

Allele frequency attached by ClinVar (database versions not stated): gnomAD exomes 0.00001; gnomAD 0.00001; TOPMed 0.00001.
gnomAD v4.1: 23 of 1,614,024 alleles (0.0014%); highest among the groups gnomAD compares: East Asian, 0.0067%; no homozygotes.

Submission:

Labcorp Genetics (formerly Invitae), Labcorp
Classification: Uncertain significance for Early Myoclonic Encephalopathy. Last evaluated: 2022-07-19. Review status: criteria provided, single submitter. Criteria: Invitae Variant Classification Sherloc (09022015). Collection method: clinical testing. Allele origin: germline.
Comment: In summary, the available evidence is currently insufficient to determine the role of this variant in disease. Therefore, it has been classified as a Variant of Uncertain Significance. Algorithms developed to predict the effect of missense changes on protein structure and function (SIFT, PolyPhen-2, Align-GVGD) all suggest that this variant is likely to be disruptive. ClinVar contains an entry for this variant (Variation ID: 573234). This variant has not been reported in the literature in individuals affected with JMJD1C-related conditions. This variant is present in population databases (no rsID available, gnomAD 0.01%). This sequence change replaces tyrosine, which is neutral and polar, with cysteine, which is neutral and slightly polar, at codon 1224 of the JMJD1C protein (p.Tyr1224Cys).